The following is an entry in ClinVar:

ClinVar aggregate classification (germline): Uncertain significance (1 of 4 stars; one submission).

Conditions:
Cardiac arrhythmia, ankyrin-B-related. Also called: ANKYRIN-B SYNDROME. Identifiers: Orphanet 101016, Orphanet 768, MedGen C1970119, MONDO:0010958, OMIM 600919.

gnomAD v4.1: 4 of 1,614,076 alleles (0.00025%); highest among the groups gnomAD compares: South Asian, 0.0044%; no homozygotes.

Submission:

Neuberg Centre For Genomic Medicine, NCGM
Classification: Uncertain significance for Cardiac arrhythmia, ankyrin-B-related. Last evaluated: 2023-06-22. Review status: criteria provided, single submitter. Criteria: ACMG Guidelines, 2015. Collection method: clinical testing. Allele origin: germline. Inheritance: Autosomal dominant inheritance. Affected: yes.
Comment: The observed missense variant c.9806G>Ap.Arg3269Lys in ANK2 gene has not been reported previously as a pathogenic variant nor as a benign variant, to our knowledge. The p.Arg3269Lys variant is reported with 0.001% allele frequency in gnomAD Exomes. The amino acid Arg at position 3269 is changed to a Lys changing protein sequence and it might alter its composition and physico-chemical properties. Multiple lines of computational evidence SIFT-Tolerated and Mutation Taster-polymorphism predict no damaging effect on protein structure and function for this variant. The reference amino acid p.Arg3269Lys in ANK2 is predicted as conserved by GERP++ and PhyloP across 100 vertebrates. For these reasons, this variant has been classified as Uncertain Significance.

NM_001148.6(ANK2):c.9806G>A (p.Arg3269Lys)

Gene: ANK2 (ankyrin 2; plus strand). Cytogenetic location: 4q26.
Variant type: single nucleotide variant.
Coding change: c.9806G>A on transcript NM_001148.6 (MANE Select); coding-DNA position 9806, G replaced by A.
Protein change: p.Arg3269Lys; replaces arginine 3269 with lysine.
Molecular consequence: missense variant. On other transcripts: intron variant (68).
Genome position (GRCh38, 1-based): chr4:113,358,424, G>A. VCF-style: chr4-113358424-G-A. GRCh37 (hg19) VCF-style: chr4-114279580-G-A.
Other names: c.9572G>A, p.Arg3191Lys (NM_001386142.1); c.6206G>A, p.Arg2069Lys (NM_001386166.1); c.9947G>A, p.Arg3316Lys (NM_001386174.1); c.9923G>A, p.Arg3308Lys (NM_001386175.1); c.4412-2399G>A (NM_001386186.2, NM_001386148.2); c.4214-2399G>A (NM_001354269.3); c.4292-2399G>A (NM_001386187.2); c.4253-2399G>A (NM_001386147.1); and 35 more; short protein forms R2069K, R3191K, R3269K, R3308K, R3316K.
Identifiers: ClinVar variation 3391385 (VCV003391385.1).
Genomic context (GRCh38, chr4:113,358,424, plus strand): 5'-AACCAGCTGTACAAGTCCAGTTAGATTTTTCCACACTCACCAGGTCTGTTTATTCAGATA[G>A]GGGTGATGATTCTCCCGATTCTTCCCCAGAAGAACAGAAATCAGTAATCGAGATTCCTAC-3'
Protein context (NP_001139.3, residues 3259-3279): STLTRSVYSD[Arg3269Lys]GDDSPDSSPE